The following is an entry in ClinVar:

ClinVar aggregate classification (germline): Likely pathogenic (1 of 4 stars; one submission).

Conditions:
Zellweger spectrum disorders (ZS). Also called: Zellweger syndrome; Zellweger Spectrum Disorder; Zellweger Spectrum; Zellweger Spectrum Disorder (ZSD). Identifiers: Orphanet 912, MedGen C0043459, MONDO:0019609.

Submission:

Natera, Inc.
Classification: Likely pathogenic for Zellweger syndrome. Last evaluated: 2025-02-06. Review status: criteria provided, single submitter. Criteria: Natera Variant Classification Schema (03/2026). Collection method: clinical testing. Allele origin: germline.
Comment: The c.2670dup variant in PEX1 is a frameshift variant predicted to shift the reading frame beginning at codon 891 and leads to a stop codon 9 codons downstream. This variant is expected to result in nonsense mediated decay, truncation, or a dysfunctional protein product. This variant is rare in the general population with a frequency below the threshold expected for the associated phenotype(s). Given the available evidence, this variant is classified as Likely Pathogenic.

NM_000466.3(PEX1):c.2670dup (p.Ala891fs)

Gene: PEX1 (peroxisomal biogenesis factor 1; minus strand). Cytogenetic location: 7q21.2.
Variant type: Duplication.
Coding change: c.2670dup on transcript NM_000466.3 (MANE Select); coding-DNA position 2670, one base duplicated (A; older notation c.2670dupA).
Protein change: p.Ala891fs; shifts the reading frame from alanine 891.
Molecular consequence: frameshift variant.
Genome position (GRCh38, 1-based): chr7:92,499,752, T duplicated on the plus strand (A on the coding strand, the reverse complement: PEX1 is on the minus strand). VCF-style (leftmost placement, unchanged base first): chr7-92499751-C-CT. GRCh37 (hg19) VCF-style: chr7-92129065-C-CT.
Other names: c.2499dup, p.Ala834fs (NM_001282677.2); c.2046dup, p.Ala683fs (NM_001282678.2); short protein forms A683fs, A834fs, A891fs.
Identifiers: ClinVar variation 4059565 (VCV004059565.2).